The following is an entry in ClinVar:

NM_005458.8(GABBR2):c.2103C>G (p.Ile701Met)

Gene: GABBR2 (gamma-aminobutyric acid type B receptor subunit 2; minus strand). Cytogenetic location: 9q22.33.
Variant type: single nucleotide variant.
Coding change: c.2103C>G on transcript NM_005458.8 (MANE Select); coding-DNA position 2103, C replaced by G.
Protein change: p.Ile701Met; replaces isoleucine 701 with methionine.
Molecular consequence: missense variant.
Genome position (GRCh38, 1-based): chr9:98,306,247, G>C on the plus strand (C>G on the coding strand, the complement: GABBR2 is on the minus strand). VCF-style: chr9-98306247-G-C. GRCh37 (hg19) VCF-style: chr9-101068529-G-C.
Other names: short protein forms I701M.
Identifiers: ClinVar variation 3666679 (VCV003666679.2).
Genomic context (GRCh38, chr9:98,306,247, plus strand): 5'-GAACTGCACATTGGGCTGGTCCCGGGTCAGGAAGGAGACAGCGGCCCCGATGATGCACAT[G>C]ATCCCCACGTTGTAGACACTCATCCCGATGTACTTGCTGTCGTTGAGTGCGGGGATGCTG-3'
Protein context (NP_005449.5, residues 691-711): YIGMSVYNVG[Ile701Met]MCIIGAAVSF

ClinVar aggregate classification (germline): Uncertain significance (1 of 4 stars; one submission).

Conditions:
Epileptic encephalopathy. Identifiers: MedGen C0543888, HP:0200134.

Submission:

Labcorp Genetics (formerly Invitae), Labcorp
Classification: Uncertain significance for Epileptic encephalopathy. Last evaluated: 2024-11-24. Review status: criteria provided, single submitter. Criteria: Invitae Variant Classification Sherloc (09022015). Collection method: clinical testing. Allele origin: germline.
Comment: This sequence change replaces isoleucine, which is neutral and non-polar, with methionine, which is neutral and non-polar, at codon 701 of the GABBR2 protein (p.Ile701Met). This variant is not present in population databases (gnomAD no frequency). This variant has not been reported in the literature in individuals affected with GABBR2-related conditions. Invitae Evidence Modeling of protein sequence and biophysical properties (such as structural, functional, and spatial information, amino acid conservation, physicochemical variation, residue mobility, and thermodynamic stability) indicates that this missense variant is not expected to disrupt GABBR2 protein function with a negative predictive value of 80%. In summary, the available evidence is currently insufficient to determine the role of this variant in disease. Therefore, it has been classified as a Variant of Uncertain Significance.